The following is an entry in ClinVar:

NM_000350.3(ABCA4):c.1002G>A (p.Val334=)

Gene: ABCA4 (ATP binding cassette subfamily A member 4; minus strand). Cytogenetic location: 1p22.1.
Variant type: single nucleotide variant.
Coding change: c.1002G>A on transcript NM_000350.3 (MANE Select); coding-DNA position 1002, G replaced by A.
Protein change: p.Val334=; no amino-acid change (valine 334 retained).
Molecular consequence: synonymous variant.
Genome position (GRCh38, 1-based): chr1:94,080,575, C>T on the plus strand (G>A on the coding strand, the complement: ABCA4 is on the minus strand). VCF-style: chr1-94080575-C-T. GRCh37 (hg19) VCF-style: chr1-94546131-C-T.
Other names: c.1002G>A (NM_000350.2); c.1002G>A, p.Val334= (NM_001425324.1).
Identifiers: ClinVar variation 1657195 (VCV001657195.10), dbSNP rs751548532, ClinGen allele CA26870578.
Genomic context (GRCh38, chr1:94,080,575, plus strand): 5'-TGTGGAGTCAATCCCCAGAAAGGCCTTATAGTTATTGTCTTCATACCAGTTGAAGGAGAG[C>T]ACCCGAGAGCCACCTCCCTCGGGGTAGCCACACAGGAGGTCAGACAGGATGCCCATCAGC-3'
Protein context (NP_000341.2, residues 324-344): CGYPEGGGSR[Val334=]LSFNWYEDNN

ClinVar aggregate classification (germline): Likely benign. Review status: criteria provided, multiple submitters, no conflicts (2 of 4 stars). 3 submissions from 3 submitters: Likely benign (3). Last evaluated 2025-04-23.

Conditions:
ABCA4-related disorder. Also called: ABCA4-related disorders; ABCA4-related condition. Identifiers: MedGen CN239167.

Allele frequency attached by ClinVar (database versions not stated): gnomAD 0.00001.
gnomAD v4.1: 44 of 1,614,046 alleles (0.0027%); highest among the groups gnomAD compares: South Asian, 0.0033%; no homozygotes.

Submissions (3):

PreventionGenetics, part of Exact Sciences
Classification: Likely benign for ABCA4-related condition. Last evaluated: 2025-04-23. Review status: criteria provided, single submitter. Criteria: ACMG Guidelines, 2015. Collection method: clinical testing. Allele origin: germline.
Comment: This variant is classified as likely benign based on ACMG/AMP sequence variant interpretation guidelines (Richards et al. 2015 PMID: 25741868, with internal and published modifications).

Labcorp Genetics (formerly Invitae), Labcorp
Classification: Likely benign. Last evaluated: 2024-06-23. Review status: criteria provided, single submitter. Criteria: Invitae Variant Classification Sherloc (09022015). Collection method: clinical testing. Allele origin: germline.

Blueprint Genetics
Classification: Likely benign. Last evaluated: 2021-10-04. Review status: criteria provided, single submitter. Criteria: ACMG Guidelines, 2015. Collection method: clinical testing. Allele origin: germline.